The following is an entry in ClinVar:

ClinVar aggregate classification (germline): Pathogenic/Likely pathogenic. Review status: criteria provided, multiple submitters, no conflicts (2 of 4 stars). 3 submissions from 3 submitters: Pathogenic (1); Likely pathogenic (2). Last evaluated 2022-10-18.

Conditions:
Cardiomyopathy (CMYO). Also called: Cardiomyopathies. Identifiers: Orphanet 167848, MedGen C0878544, MONDO:0004994, HP:0001638. Inheritance: Various modes of inheritance.
Hypertrophic cardiomyopathy. Also called: HYPERTROPHIC MYOCARDIOPATHY. Identifiers: Orphanet 217569, MedGen C0007194, MeSH D002312, MONDO:0005045, HP:0001639.

Submissions (3):

CHEO Genetics Diagnostic Laboratory, Children's Hospital of Eastern Ontario
Classification: Likely pathogenic for Cardiomyopathy. Last evaluated: 2022-10-18. Review status: criteria provided, single submitter. Criteria: ACMG Guidelines, 2015. Collection method: clinical testing. Allele origin: germline.

Labcorp Genetics (formerly Invitae), Labcorp
Classification: Pathogenic for Hypertrophic cardiomyopathy. Last evaluated: 2019-04-17. Review status: criteria provided, single submitter. Criteria: Invitae Variant Classification Sherloc (09022015). Collection method: clinical testing. Allele origin: germline.
Comment: This sequence change creates a premature translational stop signal (p.Met844Ilefs*33) in the MYBPC3 gene. It is expected to result in an absent or disrupted protein product. This variant is not present in population databases (ExAC no frequency). This variant has not been reported in the literature in individuals with MYBPC3-related conditions. ClinVar contains an entry for this variant (Variation ID: 181081). Loss-of-function variants in MYBPC3 are known to be pathogenic (PMID: 19574547). For these reasons, this variant has been classified as Pathogenic.

GeneDx
Classification: Likely pathogenic. Last evaluated: 2016-10-07. Review status: criteria provided, single submitter. Criteria: GeneDx Variant Classification (06012015). Collection method: clinical testing. Allele origin: germline. Affected: yes.
Comment: However, observation in this individual, for whom segregation data is lacking, is not sufficient to determine the absolute pathogenicity of this variant. This variant causes a shift in reading frame starting at codon Methionine 844, changing it to an Isoleucine, and creating a premature stop codon at position 33 of the new reading frame, denoted p.Met844IlefsX33. This likely pathogenic variant is expected to result in either an abnormal, truncated protein product or loss of protein from this allele through nonsense-mediated mRNA decay. Other frameshift variants in the MYBPC3 gene, including several downstream, have been reported in the Human Gene Mutation Database in association with cardiomyopathy (Stenson et al., 2014). Furthermore, the c.2532_2538delGCGCGTC variant was not observed in approximately 6,500 individuals of European and African American ancestry in the NHLBI Exome Sequencing Project, indicating it is not a common benign variant in these populations. In summary, c.2532_2538delGCGCGTC in the MYBPC3 gene is expected to be pathogenic.

NM_000256.3(MYBPC3):c.2532_2538del (p.Met844fs)

Gene: MYBPC3 (myosin binding protein C3; minus strand). Cytogenetic location: 11p11.2.
Variant type: Deletion.
Coding change: c.2532_2538del on transcript NM_000256.3 (MANE Select); coding-DNA positions 2532 to 2538, 7 bases deleted (GCGCGTC; older notation c.2532_2538delGCGCGTC).
Protein change: p.Met844fs; shifts the reading frame from methionine 844.
Molecular consequence: frameshift variant.
Genome position (GRCh38, 1-based): chr11:47,337,455-47,337,461, GACGCGC deleted on the plus strand (GCGCGTC on the coding strand, the reverse complement: MYBPC3 is on the minus strand). VCF-style (leftmost placement, unchanged base first): chr11-47337454-AGACGCGC-A. GRCh37 (hg19) VCF-style: chr11-47359005-AGACGCGC-A.
Other names: c.2532_2538del, p.Met844fs (LRG_386t1); c.2532_2538delGCGCGTC (NM_000256.3); short protein forms M844fs.
Identifiers: ClinVar variation 181081 (VCV000181081.6), dbSNP rs730880654, ClinGen allele CA012500.
Genomic context (GRCh38, chr11:47,337,454, plus strand): 5'-TAGGCATGAAGGGCTGGGAGGCAGGGCTGGGCCTGGACATGCCGATGGCGTTGACCGCGT[AGACGCGC>A]ATCTCGTACACCACGCCCTCGATCATGCGCCGCGCTTCATGACTCAGCTCCTGAATCAGG-3'